The following is an entry in ClinVar:

ClinVar aggregate classification (germline): Uncertain significance (1 of 4 stars; one submission).

Conditions:
Familial adenomatous polyposis 1 (FAP1). Also called: FAMILIAL ADENOMATOUS POLYPOSIS 1, ATTENUATED; POLYPOSIS, ADENOMATOUS INTESTINAL. Identifiers: MedGen C2713442, MONDO:0021056, OMIM 175100. Disease mechanism: loss of function.

Allele frequency attached by ClinVar (database versions not stated): 1000 Genomes Project 0.00020; TOPMed below 0.00001; 1000 Genomes Project 30x 0.00031.
gnomAD v4.1: 51 of 605,396 alleles (0.0084%); highest among the groups gnomAD compares: South Asian, 0.088%; 1 homozygote.

Submission:

Labcorp Genetics (formerly Invitae), Labcorp
Classification: Uncertain significance for Familial adenomatous polyposis 1. Last evaluated: 2025-01-17. Review status: criteria provided, single submitter. Criteria: Invitae Variant Classification Sherloc (09022015). Collection method: clinical testing. Allele origin: germline.
Comment: This variant occurs in a non-coding region of the APC gene. It does not change the encoded amino acid sequence of the APC protein. This variant is not present in population databases (gnomAD no frequency). This variant has not been reported in the literature in individuals affected with APC-related conditions. ClinVar contains an entry for this variant (Variation ID: 537584). Experimental studies and prediction algorithms are not available or were not evaluated, and the functional significance of this variant is currently unknown. In summary, the available evidence is currently insufficient to determine the role of this variant in disease. Therefore, it has been classified as a Variant of Uncertain Significance.

NM_001127511.3(APC):c.-163G>A

Gene: APC (APC regulator of Wnt signaling pathway; plus strand). Cytogenetic location: 5q22.2.
Variant type: single nucleotide variant.
Coding change: c.-163G>A on transcript NM_001127511.3; 163 bases upstream of the start codon, G replaced by A.
Molecular consequence: 5 prime UTR variant. On other transcripts: non-coding transcript variant (2).
Genome position (GRCh38, 1-based): chr5:112,707,555, G>A. VCF-style: chr5-112707555-G-A. GRCh37 (hg19) VCF-style: chr5-112043252-G-A.
Other names: c.-346G>A (NM_001354895.2, NM_001407447.1, NM_001407452.1 and 3 more transcripts); c.-163G>A (NM_001354897.2, NM_001354902.2, NM_001407446.1); c.-113G>A (NM_001407448.1, NM_001407450.1, NM_001407457.1 and 1 more transcripts); c.-137G>A (NM_001407453.1); c.-1381G>A (NM_001407470.1, NM_001407472.1).
Identifiers: ClinVar variation 537584 (VCV000537584.48), dbSNP rs558562104, ClinGen allele CA124924885.